The following is an entry in ClinVar:

NM_002661.5(PLCG2):c.1859C>T (p.Thr620Met)

Gene: PLCG2 (phospholipase C gamma 2; plus strand). Cytogenetic location: 16q23.3.
Variant type: single nucleotide variant.
Coding change: c.1859C>T on transcript NM_002661.5 (MANE Select); coding-DNA position 1859, C replaced by T.
Protein change: p.Thr620Met; replaces threonine 620 with methionine.
Molecular consequence: missense variant.
Genome position (GRCh38, 1-based): chr16:81,910,645, C>T. VCF-style: chr16-81910645-C-T. GRCh37 (hg19) VCF-style: chr16-81944250-C-T.
Other names: short protein forms T620M.
Identifiers: ClinVar variation 540127 (VCV000540127.40), dbSNP rs147396004, ClinGen allele CA501014.

ClinVar aggregate classification (germline): Benign/Likely benign. Review status: criteria provided, multiple submitters, no conflicts (2 of 4 stars). 7 submissions from 7 submitters: Benign (1); Likely benign (3). 3 of the submissions do not count toward it. Last evaluated 2026-03-06.

Conditions:
PLCG2-related disorder. Also called: PLCG2-related condition.
Familial cold autoinflammatory syndrome 3 (FCAS3). Also called: FAMILIAL ATYPICAL COLD URTICARIA; ANTIBODY DEFICIENCY AND IMMUNE DYSREGULATION, PLCG2-ASSOCIATED. Identifiers: Orphanet 300359, MedGen C3280914, MONDO:0013766, OMIM 614468.

Allele frequency attached by ClinVar (database versions not stated): 1000 Genomes Project 30x 0.00016; 1000 Genomes Project 0.00020; gnomAD 0.00082 and 0.00084; TOPMed 0.00089; gnomAD exomes 0.00118 and 0.00149; ExAC 0.00128; ESP Exome Variant Server 0.00140.
gnomAD v4.1: 2,280 of 1,613,962 alleles (0.14%); highest among the groups gnomAD compares: Non-Finnish European, 0.17%; 4 homozygotes.

Submissions (7):

Women's Health and Genetics/Laboratory Corporation of America, LabCorp
Classification: Likely benign. Last evaluated: 2026-03-06. Review status: criteria provided, single submitter. Criteria: LabCorp Variant Classification Summary - May 2015. Collection method: clinical testing. Allele origin: germline.

Labcorp Genetics (formerly Invitae), Labcorp
Classification: Benign for Familial cold autoinflammatory syndrome 3. Last evaluated: 2026-01-27. Review status: criteria provided, single submitter. Criteria: Invitae Variant Classification Sherloc (09022015). Collection method: clinical testing. Allele origin: germline.

Blueprint Genetics
Classification: Likely benign. Last evaluated: 2024-11-04. Review status: criteria provided, single submitter. Criteria: ACMG Guidelines, 2015. Collection method: clinical testing. Allele origin: germline.

CeGaT Center for Human Genetics Tuebingen
Classification: Likely benign. Last evaluated: 2024-10-01. Review status: criteria provided, single submitter. Criteria: CeGaT Center For Human Genetics Tuebingen Variant Classification Criteria Version 2. Collection method: clinical testing. Allele origin: germline. Affected: yes. Observed: 2 variant alleles.
Comment: PLCG2: BP4, BS1

PreventionGenetics, part of Exact Sciences
Classification: Likely benign for PLCG2-related condition. Last evaluated: 2021-06-26. Review status: no assertion criteria provided. Collection method: clinical testing. Allele origin: germline. Not counted in ClinVar's aggregate classification.
Comment: This variant is classified as likely benign based on ACMG/AMP sequence variant interpretation guidelines (Richards et al. 2015 PMID: 25741868, with internal and published modifications).

Clinical Genetics DNA and cytogenetics Diagnostics Lab, Erasmus MC, Erasmus Medical Center
Classification: Likely benign. Review status: no assertion criteria provided. Collection method: clinical testing. Allele origin: germline. Affected: yes. Study: VKGL Data-share Consensus. Not counted in ClinVar's aggregate classification.

Genome Diagnostics Laboratory, University Medical Center Utrecht
Classification: Likely benign. Review status: no assertion criteria provided. Collection method: clinical testing. Allele origin: germline. Affected: yes. Study: VKGL Data-share Consensus. Not counted in ClinVar's aggregate classification.